The following is an entry in ClinVar:

ClinVar aggregate classification (germline): Uncertain significance (1 of 4 stars; one submission).

Conditions:
Brugada syndrome. Also called: Sudden unexpected nocturnal death syndrome; Sudden Unexplained Death Syndrome; Sudden Unexplained Nocturnal Death Syndrome (SUNDS); Sudden unexplained nocturnal death syndrome. Identifiers: Orphanet 130, MedGen C1142166, MONDO:0015263.

Submission:

Labcorp Genetics (formerly Invitae), Labcorp
Classification: Uncertain significance for Brugada syndrome. Last evaluated: 2023-01-08. Review status: criteria provided, single submitter. Criteria: Invitae Variant Classification Sherloc (09022015). Collection method: clinical testing. Allele origin: unknown.
Comment: In summary, the available evidence is currently insufficient to determine the role of this variant in disease. Therefore, it has been classified as a Variant of Uncertain Significance. This variant has not been reported in the literature in individuals affected with KCNJ8-related conditions. A gross deletion of the genomic region encompassing the full coding sequence of the KCNJ8 gene has been identified. The current clinical and genetic evidence is not sufficient to establish whether loss-of-function variants in KCNJ8 cause disease. The boundaries of this event are unknown as they extend beyond the assayed region for this gene and therefore may encompass additional genes.

NC_000012.11:g.(?_21918657)_(22089608_?)del

Genes: ABCC9 (ATP binding cassette subfamily C member 9; minus strand), KCNJ8 (potassium inwardly rectifying channel subfamily J member 8; minus strand). Cytogenetic location: 12p12.1.
Variant type: Deletion.
Identifiers: ClinVar variation 3244285 (VCV003244285.1).